The following is an entry in ClinVar:

ClinVar aggregate classification (germline): Uncertain significance. Review status: criteria provided, multiple submitters, no conflicts (2 of 4 stars). 3 submissions from 3 submitters: Uncertain significance (3). Last evaluated 2026-04-20.

Conditions:
PKD1-related disorder. Also called: PKD1-related condition.

gnomAD v4.1: 6 of 1,610,092 alleles (0.00037%); highest among the groups gnomAD compares: East Asian, 0.011%; no homozygotes.

Submissions (3):

Women's Health and Genetics/Laboratory Corporation of America, LabCorp
Classification: Uncertain significance. Last evaluated: 2026-04-20. Review status: criteria provided, single submitter. Criteria: LabCorp Variant Classification Summary - May 2015. Collection method: clinical testing. Allele origin: germline.
Comment: Variant summary: PKD1 c.7588G>A (p.Gly2530Ser) results in a non-conservative amino acid change in the encoded protein sequence. Algorithms developed to predict the effect of missense changes on protein structure and function all suggest that this variant is likely to be disruptive. The variant allele was found at a frequency of 1.2e-05 in 243726 control chromosomes (gnomAD). The available data on variant occurrences in the general population are insufficient to allow any conclusion about variant significance. To our knowledge, no occurrence of c.7588G>A in individuals affected with PKD1-related conditions and no experimental evidence demonstrating its impact on protein function have been reported. ClinVar contains an entry for this variant (Variation ID: 3375746). Based on the evidence outlined above, the variant was classified as uncertain significance.

PreventionGenetics, part of Exact Sciences
Classification: Uncertain significance for PKD1-related condition. Last evaluated: 2025-05-30. Review status: criteria provided, single submitter. Criteria: ACMG Guidelines, 2015. Collection method: clinical testing. Allele origin: germline.
Comment: The PKD1 c.7588G>A variant is predicted to result in the amino acid substitution p.Gly2530Ser. To our knowledge, this variant has not been reported in the literature. Of note, a different substitution at the same codon, defined as c.7589G>A (p.Gly2530Asp), has been reported as "likely pathogenic" for autosomal dominant polycystic kidney disease (ADPKD) (Rossetti et al. 2012. PubMed ID: 22383692; He et al. 2018. PubMed ID: 30333007; Table S1, Kimura et al. 2023. PubMed ID: 37509056). The c.7588G>A (p.Gly2530Ser) variant is reported in 0.026% of alleles in individuals of East Asian descent in gnomAD. At this time, the clinical significance of this variant is uncertain due to the absence of conclusive functional and genetic evidence.

GeneDx
Classification: Uncertain significance. Last evaluated: 2024-05-06. Review status: criteria provided, single submitter. Criteria: GeneDx Variant Classification Process June 2021. Collection method: clinical testing. Allele origin: germline. Affected: yes.
Comment: In silico analysis supports that this missense variant has a deleterious effect on protein structure/function; Has not been previously published as pathogenic or benign to our knowledge

NM_001009944.3(PKD1):c.7588G>A (p.Gly2530Ser)

Gene: PKD1 (polycystin 1, transient receptor potential channel interacting; minus strand). Cytogenetic location: 16p13.3.
Variant type: single nucleotide variant.
Coding change: c.7588G>A on transcript NM_001009944.3 (MANE Select); coding-DNA position 7588, G replaced by A.
Protein change: p.Gly2530Ser; replaces glycine 2530 with serine.
Molecular consequence: missense variant.
Genome position (GRCh38, 1-based): chr16:2,106,206, C>T on the plus strand (G>A on the coding strand, the complement: PKD1 is on the minus strand). VCF-style: chr16-2106206-C-T. GRCh37 (hg19) VCF-style: chr16-2156207-C-T.
Other names: c.7588G>A, p.Gly2530Ser (NM_000296.4); short protein forms G2530S.
Identifiers: ClinVar variation 3375746 (VCV003375746.3).